The following is an entry in ClinVar:

NM_001374736.1(DST):c.19705T>G (p.Trp6569Gly)

Gene: DST (dystonin; minus strand). Cytogenetic location: 6p12.1.
Variant type: single nucleotide variant.
Coding change: c.19705T>G on transcript NM_001374736.1 (MANE Select); coding-DNA position 19705, T replaced by G.
Protein change: p.Trp6569Gly; replaces tryptophan 6569 with glycine.
Molecular consequence: missense variant.
Genome position (GRCh38, 1-based): chr6:56,501,555, A>C on the plus strand (T>G on the coding strand, the complement: DST is on the minus strand). VCF-style: chr6-56501555-A-C. GRCh37 (hg19) VCF-style: chr6-56366353-A-C.
Other names: c.13348T>G, p.Trp4450Gly (NM_001144769.5); c.12934T>G, p.Trp4312Gly (NM_001144770.2); c.19705T>G, p.Trp6569Gly (NM_001374722.1); c.18745T>G, p.Trp6249Gly (NM_001374729.1); c.12487T>G, p.Trp4163Gly (NM_001374730.1); c.19732T>G, p.Trp6578Gly (NM_001374734.1); c.12814T>G, p.Trp4272Gly (NM_001386100.1, NM_183380.4); c.11836T>G, p.Trp3946Gly (NM_015548.5); short protein forms W4272G, W4312G, W4450G, W3946G, W4163G, W6249G, W6569G, W6578G.
Identifiers: ClinVar variation 1942297 (VCV001942297.5), dbSNP rs2534157425, ClinGen allele CA364520438.

ClinVar aggregate classification (germline): Uncertain significance (1 of 4 stars; one submission).

Conditions:
Hereditary sensory and autonomic neuropathy type 6. Also called: Neuropathy, hereditary sensory and autonomic, type VI; HSAN VI. Identifiers: Orphanet 314381, MedGen C3539003, MONDO:0013839, OMIM 614653.
Epidermolysis bullosa simplex 3, localized or generalized intermediate, with BP230 deficiency (EBS3). Also called: Epidermolysis bullosa simplex due to BP230 deficiency; Epidermolysis bullosa simplex, autosomal recessive 2. Identifiers: Orphanet 412181, MedGen C3809470, MONDO:0014180, OMIM 615425.

Submission:

Labcorp Genetics (formerly Invitae), Labcorp
Classification: Uncertain significance for Epidermolysis bullosa simplex 3, localized or generalized intermediate, with BP230 deficiency; Hereditary sensory and autonomic neuropathy type 6. Last evaluated: 2022-05-25. Review status: criteria provided, single submitter. Criteria: Invitae Variant Classification Sherloc (09022015). Collection method: clinical testing. Allele origin: germline.
Comment: In summary, the available evidence is currently insufficient to determine the role of this variant in disease. Therefore, it has been classified as a Variant of Uncertain Significance. Experimental studies and prediction algorithms are not available or were not evaluated, and the functional significance of this variant is currently unknown. This variant has not been reported in the literature in individuals affected with DST-related conditions. This variant is not present in population databases (gnomAD no frequency). This sequence change replaces tryptophan, which is neutral and slightly polar, with glycine, which is neutral and non-polar, at codon 3946 of the DST protein (p.Trp3946Gly). The DST gene has multiple clinically relevant transcripts. This variant occurs in alternate transcript NM_015548.4, and corresponds to NM_001723.5:c.*113962T>G in the primary transcript.